The following is an entry in ClinVar:

NM_001127511.3(APC):c.125G>C (p.Gly42Ala)

Gene: APC (APC regulator of Wnt signaling pathway; plus strand). Cytogenetic location: 5q22.2.
Variant type: single nucleotide variant.
Coding change: c.125G>C on transcript NM_001127511.3; coding-DNA position 125, G replaced by C.
Protein change: p.Gly42Ala; replaces glycine 42 with alanine.
Molecular consequence: missense variant. On other transcripts: 5 prime UTR variant (8), non-coding transcript variant (1), intron variant (5).
Genome position (GRCh38, 1-based): chr5:112,707,842, G>C. VCF-style: chr5-112707842-G-C. GRCh37 (hg19) VCF-style: chr5-112043539-G-C.
Other names: c.-59G>C (NM_001354895.2, NM_001407447.1, NM_001407452.1 and 3 more transcripts); c.125G>C, p.Gly42Ala (NM_001354897.2, NM_001354902.2, NM_001407446.1); c.-1094G>C (NM_001407470.1, NM_001407472.1); c.-19+193G>C (NM_001407448.1, NM_001407450.1, NM_001407457.1 and 1 more transcripts); c.-43+193G>C (NM_001407453.1); short protein forms G42A.
Identifiers: ClinVar variation 1026480 (VCV001026480.9), dbSNP rs1057517570, ClinGen allele CA360612059.

ClinVar aggregate classification (germline): Uncertain significance (1 of 4 stars; one submission).

Conditions:
Familial adenomatous polyposis 1 (FAP1). Also called: FAMILIAL ADENOMATOUS POLYPOSIS 1, ATTENUATED; POLYPOSIS, ADENOMATOUS INTESTINAL. Identifiers: MedGen C2713442, MONDO:0021056, OMIM 175100. Disease mechanism: loss of function.

Submission:

Labcorp Genetics (formerly Invitae), Labcorp
Classification: Uncertain significance for Familial adenomatous polyposis 1. Last evaluated: 2020-05-02. Review status: criteria provided, single submitter. Criteria: Invitae Variant Classification Sherloc (09022015). Collection method: clinical testing. Allele origin: germline.
Comment: In summary, the available evidence is currently insufficient to determine the role of this variant in disease. Therefore, it has been classified as a Variant of Uncertain Significance. Experimental studies and prediction algorithms are not available for this variant, and the functional significance of this non-coding change is currently unknown. This variant has not been reported in the literature in individuals with APC-related conditions. The frequency data for this variant in the population databases is considered unreliable, as metrics indicate insufficient coverage at this position in the ExAC database. This variant occurs in a non-coding region of the APC gene. It does not change the encoded amino acid sequence of the APC protein.